The following is an entry in ClinVar:

ClinVar aggregate classification (germline): Uncertain significance (1 of 4 stars; one submission).

gnomAD v4.1: 21 of 1,613,554 alleles (0.0013%); highest among the groups gnomAD compares: East Asian, 0.047%; no homozygotes.

Submission:

GeneDx
Classification: Uncertain significance. Last evaluated: 2025-01-23. Review status: criteria provided, single submitter. Criteria: GeneDx Variant Classification Process June 2021. Collection method: clinical testing. Allele origin: germline.
Comment: In silico analysis supports a deleterious effect on splicing; Has not been previously published as pathogenic or benign to our knowledge

NM_144672.4(OTOA):c.740-5T>A

Gene: OTOA (otoancorin). Cytogenetic location: 16p12.2.
Variant type: single nucleotide variant.
Coding change: c.740-5T>A on transcript NM_144672.4 (MANE Select); 5 bases into the intron before coding-DNA position 740, T replaced by A.
Molecular consequence: intron variant.
Genome position (GRCh38, 1-based): chr16:21,697,770, T>A. VCF-style: chr16-21697770-T-A. GRCh37 (hg19) VCF-style: chr16-21709091-T-A.
Other names: c.503-5T>A (NM_001161683.2).
Identifiers: ClinVar variation 3365400 (VCV003365400.2).